The following is an entry in ClinVar:

NM_020911.2(PLXNA4):c.2875C>A (p.Leu959Met)

Gene: PLXNA4 (plexin A4; minus strand). Cytogenetic location: 7q32.3.
Variant type: single nucleotide variant.
Coding change: c.2875C>A on transcript NM_020911.2 (MANE Select); coding-DNA position 2875, C replaced by A.
Protein change: p.Leu959Met; replaces leucine 959 with methionine.
Molecular consequence: missense variant.
Genome position (GRCh38, 1-based): chr7:132,187,589, G>T on the plus strand (C>A on the coding strand, the complement: PLXNA4 is on the minus strand). VCF-style: chr7-132187589-G-T. GRCh37 (hg19) VCF-style: chr7-131872348-G-T.
Other names: c.2875C>A, p.Leu959Met (NM_001393897.1); short protein forms L959M.
Identifiers: ClinVar variation 3353943 (VCV003353943.2).

ClinVar aggregate classification (germline): Uncertain significance (1 of 4 stars; one submission).

Conditions:
PLXNA4-related disorder. Also called: PLXNA4-related condition.

gnomAD v4.1: 64 of 1,613,360 alleles (0.004%); highest among the groups gnomAD compares: Non-Finnish European, 0.0052%; no homozygotes.

Submission:

PreventionGenetics, part of Exact Sciences
Classification: Uncertain significance for PLXNA4-related condition. Last evaluated: 2026-09-25. Review status: criteria provided, single submitter. Criteria: ACMG Guidelines, 2015. Collection method: clinical testing. Allele origin: germline.
Comment: The PLXNA4 c.2875C>A variant is predicted to result in the amino acid substitution p.Leu959Met. To our knowledge, this variant has not been reported in the literature. This variant is reported in 0.0027% of alleles in individuals of European (Non-Finnish) descent in gnomAD. At this time, the clinical significance of this variant is uncertain due to the absence of conclusive functional and genetic evidence.